The following is an entry in ClinVar:

ClinVar aggregate classification (germline): Uncertain significance. Review status: criteria provided, multiple submitters, no conflicts (2 of 4 stars). 2 submissions from 2 submitters: Uncertain significance (2). Last evaluated 2026-01-13.

gnomAD v4.1: 8 of 1,613,792 alleles (0.0005%); highest among the groups gnomAD compares: Admixed American, 0.005%; no homozygotes.

Submissions (2):

Dasa
Classification: Uncertain significance. Last evaluated: 2026-01-13. Review status: criteria provided, single submitter. Criteria: DASA Assertion Criteria. Collection method: clinical testing. Allele origin: germline.
Comment: NM_001388303.1(HECTD4):c.1816A>G (p.Thr606Ala) is a missense variant that results in the substitution of threonine with alanine. This variant is rare in population databases. Computational prediction algorithms are consistent with a benign effect. The currently available literature and clinical evidence are not sufficient to establish a definitive association between this variant and the reported condition. Therefore, this variant is classified as a variant of uncertain significance.

Ambry Genetics
Classification: Uncertain significance. Last evaluated: 2025-06-29. Review status: criteria provided, single submitter. Criteria: Ambry Variant Classification Scheme 2023. Collection method: clinical testing. Allele origin: germline.

NM_001388303.1(HECTD4):c.1816A>G (p.Thr606Ala)

Gene: HECTD4 (HECT domain E3 ubiquitin protein ligase 4; minus strand). Cytogenetic location: 12q24.13.
Variant type: single nucleotide variant.
Coding change: c.1816A>G on transcript NM_001388303.1 (MANE Select); coding-DNA position 1816, A replaced by G.
Protein change: p.Thr606Ala; replaces threonine 606 with alanine.
Molecular consequence: missense variant.
Genome position (GRCh38, 1-based): chr12:112,273,781, T>C on the plus strand (A>G on the coding strand, the complement: HECTD4 is on the minus strand). VCF-style: chr12-112273781-T-C. GRCh37 (hg19) VCF-style: chr12-112711585-T-C.
Other names: c.1816A>G, p.Thr606Ala (NM_001109662.4); short protein forms T606A.
Identifiers: ClinVar variation 4269791 (VCV004269791.3).
Genomic context (GRCh38, chr12:112,273,781, plus strand): 5'-CAGGGTTACACCACTGATCGATATAGTCATTTGAGCATGTCCATAGCATGTTGTTCACTG[T>C]GTCATAACACGCTCCTGCAAAAAGAGCATACTGTATTCAGTCACCATGCCACCAGCTACC-3'
Protein context (NP_001375232.1, residues 596-616): LVPGLGACYD[Thr606Ala]VNNMLWTCSN